The following is an entry in ClinVar:

ClinVar aggregate classification (germline): Uncertain significance (1 of 4 stars; one submission).

Conditions:
Inborn genetic diseases. Identifiers: MedGen C0950123, MeSH D030342.

Submission:

Ambry Genetics
Classification: Uncertain significance for Inborn genetic diseases. Last evaluated: 2025-12-31. Review status: criteria provided, single submitter. Criteria: Ambry Variant Classification Scheme 2023. Collection method: clinical testing. Allele origin: germline.
Comment: The c.553G>A (p.G185R) alteration is located in exon 4 (coding exon 4) of the DLL1 gene. This alteration results from a G to A substitution at nucleotide position 553, causing the glycine (G) at amino acid position 185 to be replaced by an arginine (R). Based on data from gnomAD, the A allele has an overall frequency of <0.001% (1/251342) total alleles studied. The highest observed frequency was 0.001% (1/113662) of European (non-Finnish) alleles. Based on insufficient or conflicting evidence, the clinical significance of this alteration remains unclear.

NM_005618.4(DLL1):c.553G>A (p.Gly185Arg)

Gene: DLL1 (delta like canonical Notch ligand 1; minus strand). Cytogenetic location: 6q27.
Variant type: single nucleotide variant.
Coding change: c.553G>A on transcript NM_005618.4 (MANE Select); coding-DNA position 553, G replaced by A.
Protein change: p.Gly185Arg; replaces glycine 185 with arginine.
Molecular consequence: missense variant.
Genome position (GRCh38, 1-based): chr6:170,288,356, C>T on the plus strand (G>A on the coding strand, the complement: DLL1 is on the minus strand). VCF-style: chr6-170288356-C-T. GRCh37 (hg19) VCF-style: chr6-170597444-C-T.
Other names: short protein forms G185R.
Identifiers: ClinVar variation 4838921 (VCV004838921.1).